The following is an entry in ClinVar:

NM_182961.4(SYNE1):c.22215C>T (p.Ser7405=)

Gene: SYNE1 (spectrin repeat containing nuclear envelope protein 1; minus strand). Cytogenetic location: 6q25.2.
Variant type: single nucleotide variant.
Coding change: c.22215C>T on transcript NM_182961.4 (MANE Select); coding-DNA position 22215, C replaced by T.
Protein change: p.Ser7405=; no amino-acid change (serine 7405 retained).
Molecular consequence: synonymous variant.
Genome position (GRCh38, 1-based): chr6:152,215,037, G>A on the plus strand (C>T on the coding strand, the complement: SYNE1 is on the minus strand). VCF-style: chr6-152215037-G-A. GRCh37 (hg19) VCF-style: chr6-152536172-G-A.
Other names: c.22002C>T, p.Ser7334= (NM_033071.5); c.22215C>T (NM_182961.2).
Identifiers: ClinVar variation 702792 (VCV000702792.9), dbSNP rs560939744, ClinGen allele CA4053931.

ClinVar aggregate classification (germline): Benign/Likely benign. Review status: criteria provided, multiple submitters, no conflicts (2 of 4 stars). 2 submissions from 2 submitters: Benign (1); Likely benign (1). Last evaluated 2025-11-28.

Conditions:
Autosomal recessive ataxia, Beauce type. Also called: Spinocerebellar ataxia, autosomal recessive 8; SYNE1 Deficiency; SYNE1-Related Autosomal Recessive Cerebellar Ataxia; ATAXIA, RECESSIVE, OF BEAUCE. Identifiers: Orphanet 88644, MedGen C1853116, MONDO:0012549, OMIM 610743.
Emery-Dreifuss muscular dystrophy 4, autosomal dominant (EDMD4). Also called: EMERY-DREIFUSS MUSCULAR DYSTROPHY 4 WITH VARIABLE FEATURES. Identifiers: Orphanet 261, MedGen C2751807, MONDO:0013071, OMIM 612998.

Allele frequency attached by ClinVar (database versions not stated): gnomAD exomes 0.00022 and 0.00013; ExAC 0.00023; gnomAD below 0.00001 and 0.00005; TOPMed 0.00002; 1000 Genomes Project 0.00020; 1000 Genomes Project 30x 0.00062.
gnomAD v4.1: 197 of 1,614,058 alleles (0.012%); highest among the groups gnomAD compares: South Asian, 0.21%; 1 homozygote.

Submissions (2):

Labcorp Genetics (formerly Invitae), Labcorp
Classification: Likely benign for Emery-Dreifuss muscular dystrophy 4, autosomal dominant; Autosomal recessive ataxia, Beauce type. Last evaluated: 2025-11-28. Review status: criteria provided, single submitter. Criteria: Invitae Variant Classification Sherloc (09022015). Collection method: clinical testing. Allele origin: germline.

Athena Diagnostics
Classification: Benign. Last evaluated: 2024-12-24. Review status: criteria provided, single submitter. Criteria: Athena Diagnostics Criteria. Collection method: clinical testing. Allele origin: unknown.
Comment: The frequency of this variant in the general population is higher than would generally be expected for pathogenic variants in this gene. Computational tools yielded predictions that this variant is unlikely to have an effect on normal RNA splicing.